The following is an entry in ClinVar:

ClinVar aggregate classification (germline): Conflicting classifications of pathogenicity. Review status: criteria provided, conflicting classifications (1 of 4 stars). 4 submissions from 4 submitters: Uncertain significance (1); Likely benign (3). Last evaluated 2026-01-28.

Allele frequency attached by ClinVar (database versions not stated): TOPMed 0.00029; gnomAD 0.00032; gnomAD exomes 0.00033 and 0.00044; ExAC 0.00037; ESP Exome Variant Server 0.00046.
gnomAD v4.1: 673 of 1,612,058 alleles (0.042%); highest among the groups gnomAD compares: Middle Eastern, 0.13%; no homozygotes.

Submissions (4):

Labcorp Genetics (formerly Invitae), Labcorp
Classification: Likely benign. Last evaluated: 2026-01-28. Review status: criteria provided, single submitter. Criteria: Invitae Variant Classification Sherloc (09022015). Collection method: clinical testing. Allele origin: germline.

CeGaT Center for Human Genetics Tuebingen
Classification: Likely benign. Last evaluated: 2026-01-01. Review status: criteria provided, single submitter. Criteria: CeGaT Center For Human Genetics Tuebingen Variant Classification Criteria Version 2. Collection method: clinical testing. Allele origin: germline. Affected: yes. Observed: 6 variant alleles.
Comment: SCN3A: BP4, BP7

Blueprint Genetics
Classification: Likely benign. Last evaluated: 2024-02-21. Review status: criteria provided, single submitter. Criteria: ACMG Guidelines, 2015. Collection method: clinical testing. Allele origin: germline.

Eurofins Ntd Llc (ga)
Classification: Uncertain significance. Last evaluated: 2016-07-19. Review status: criteria provided, single submitter. Criteria: EGL Classification Definitions 2015. Collection method: clinical testing. Allele origin: germline. Observed: 1 variant allele, 1 heterozygote.

NM_006922.4(SCN3A):c.5889T>C (p.Ser1963=)

Gene: SCN3A (sodium voltage-gated channel alpha subunit 3; minus strand). Cytogenetic location: 2q24.3.
Variant type: single nucleotide variant.
Coding change: c.5889T>C on transcript NM_006922.4 (MANE Select); coding-DNA position 5889, T replaced by C.
Protein change: p.Ser1963=; no amino-acid change (serine 1963 retained).
Molecular consequence: synonymous variant.
Genome position (GRCh38, 1-based): chr2:165,090,264, A>G on the plus strand (T>C on the coding strand, the complement: SCN3A is on the minus strand). VCF-style: chr2-165090264-A-G. GRCh37 (hg19) VCF-style: chr2-165946774-A-G.
Other names: c.5742T>C, p.Ser1914= (NM_001081676.2, NM_001081677.2).
Identifiers: ClinVar variation 288551 (VCV000288551.51), dbSNP rs146624492, ClinGen allele CA1938338.